The following is an entry in ClinVar:

NM_000372.5(TYR):c.121G>A (p.Gly41Arg)

Gene: TYR (tyrosinase; plus strand). Cytogenetic location: 11q14.3.
Variant type: single nucleotide variant.
Coding change: c.121G>A on transcript NM_000372.5 (MANE Select); coding-DNA position 121, G replaced by A.
Protein change: p.Gly41Arg; replaces glycine 41 with arginine.
Molecular consequence: missense variant.
Genome position (GRCh38, 1-based): chr11:89,178,074, G>A. VCF-style: chr11-89178074-G-A. GRCh37 (hg19) VCF-style: chr11-88911242-G-A.
Other names: c.121G>A (NM_000372.4); short protein forms G41R.
Identifiers: ClinVar variation 689488 (VCV000689488.14), dbSNP rs369291837, ClinGen allele CA6221046.

ClinVar aggregate classification (germline): Conflicting classifications of pathogenicity. Review status: criteria provided, conflicting classifications (1 of 4 stars). 7 submissions from 7 submitters: Likely pathogenic (6); Uncertain significance (1). Last evaluated 2025-08-22.

Conditions:
Oculocutaneous albinism type 1A (OCA1A). Also called: Albinism, oculocutaneous, type IA. Identifiers: Orphanet 352731, Orphanet 79431, MedGen C4551504, MONDO:0008745, OMIM 203100. Disease mechanism: loss of function.
Oculocutaneous albinism type 1B (OCA1B). Also called: YELLOW ALBINISM; ALBINISM, OCULOCUTANEOUS, TYPE IB; ALBINISM, YELLOW MUTANT TYPE. Identifiers: Orphanet 352731, Orphanet 352737, Orphanet 79434, MedGen C1847024, MONDO:0011749, OMIM 606952.
SKIN/HAIR/EYE PIGMENTATION 3, LIGHT/DARK SKIN (SHEP3). Also called: EYE COLOR 1; EYE COLOR, GREEN/BLUE; SKIN/HAIR/EYE PIGMENTATION 3, BLUE/GREEN EYE COLOR; SKIN/HAIR/EYE PIGMENTATION 3, FRECKLING; SKIN/HAIR/EYE PIGMENTATION, VARIATION IN, 3. Identifiers: MedGen C2677190, OMIM 601800.
TYR-related disorder. Also called: TYR-related condition.

Allele frequency attached by ClinVar (database versions not stated): ExAC 0.00001; gnomAD exomes 0.00002 and 0.00003; TOPMed 0.00002.

Submissions (7):

PreventionGenetics, part of Exact Sciences
Classification: Likely pathogenic for TYR-related condition. Last evaluated: 2025-08-22. Review status: criteria provided, single submitter. Criteria: ACMG Guidelines, 2015. Collection method: clinical testing. Allele origin: germline.
Comment: The TYR c.121G>A variant is predicted to result in the amino acid substitution p.Gly41Arg. This variant has been reported in the homozygous state in an infant with oculocutaneous albinism and as part of a complex allele with a splice variant which was in trans with a known pathogenic TYR variant in an infant with oculocutaneous albinism (King et al. 2003. PubMed ID: 13680365). This variant has also been reported along with a TYR nonsense variant in an individual with oculocutaneous albinism (Wei et al. 2009. PubMed ID: 19865097). This variant is predicted damaging to the encoded protein (Liu et al. 2016. PMID:26555599). Functional studies in HEK293 cells showed the p.Gly41Arg substitution causes partial ER retention and decreased enzymatic activity (Mondal et al. 2016. PubMed ID: 27537549). This variant is present in 0.011% of alleles in individuals of East Asian descent in gnomAD. Given the evidence, we interpret this variant as likely pathogenic.

GeneDx
Classification: Uncertain significance. Last evaluated: 2025-03-18. Review status: criteria provided, single submitter. Criteria: GeneDx Variant Classification Process June 2021. Collection method: clinical testing. Allele origin: germline. Affected: yes.
Comment: Reported in a proband with oculocutaneous albinism, but this individual also harbored a pathogenic variant on the same (in cis) allele (PMID: 13680365); Published functional studies suggest a damaging effect: reduced enzymatic activities and partial retention in the endoplasmic reticulum (PMID: 27537549); In silico analysis supports that this missense variant has a deleterious effect on protein structure/function; This variant is associated with the following publications: (PMID: 34426522, 27537549, 19865097, 13680365)

Labcorp Genetics (formerly Invitae), Labcorp
Classification: Likely pathogenic. Last evaluated: 2024-04-24. Review status: criteria provided, single submitter. Criteria: Invitae Variant Classification Sherloc (09022015). Collection method: clinical testing. Allele origin: germline.
Comment: This sequence change replaces glycine, which is neutral and non-polar, with arginine, which is basic and polar, at codon 41 of the TYR protein (p.Gly41Arg). This variant is present in population databases (rs369291837, gnomAD 0.01%). This missense change has been observed in individual(s) with clinical features of oculocutaneous albinism and/or oculocutaneous albinism (PMID: 13680365, 19865097; Invitae). In at least one individual the data is consistent with being in trans (on the opposite chromosome) from a pathogenic variant. ClinVar contains an entry for this variant (Variation ID: 689488). Advanced modeling of protein sequence and biophysical properties (such as structural, functional, and spatial information, amino acid conservation, physicochemical variation, residue mobility, and thermodynamic stability) performed at Invitae indicates that this missense variant is expected to disrupt TYR protein function with a positive predictive value of 80%. Experimental studies have shown that this missense change affects TYR function (PMID: 27537549). In summary, the currently available evidence indicates that the variant is pathogenic, but additional data are needed to prove that conclusively. Therefore, this variant has been classified as Likely Pathogenic.

Fulgent Genetics
Classification: Likely pathogenic for Oculocutaneous albinism type 1A; SKIN/HAIR/EYE PIGMENTATION 3, LIGHT/DARK SKIN; Oculocutaneous albinism type 1B. Last evaluated: 2024-03-25. Review status: criteria provided, single submitter. Criteria: ACMG Guidelines, 2015. Collection method: clinical testing. Allele origin: germline.

Blueprint Genetics
Classification: Likely pathogenic for TYR-related disorders. Last evaluated: 2023-04-14. Review status: criteria provided, single submitter. Criteria: ACMG Guidelines, 2015. Collection method: clinical testing. Allele origin: germline. Affected: yes. Observed: 5 variant alleles.

Foundation for Research in Genetics and Endocrinology, FRIGE's Institute of Human Genetics
Classification: Likely pathogenic for Oculocutaneous albinism type 1A; Oculocutaneous albinism type 1B. Last evaluated: 2019-06-21. Review status: criteria provided, single submitter. Criteria: ACMG Guidelines, 2015. Collection method: clinical testing. Allele origin: inherited. Inheritance: Autosomal recessive inheritance. Affected: yes. Observed: 1 heterozygote.
Comment: A heterozygous variant c.121G>A (p.Gly41Arg) in exon-1 has been observed in the TYR gene. The variant has not been reported in the 1000 genomes database and has a minor allele frequency of 0.0008% and 0.007% in the ExAC databases. The in silico predictions of the variant are probably damaging by PolyPhen-2 (HumDiv), SIFT, LRT and MutationTaster2. In summary, the said variant meets our criteria to be classified as likely pathogenic based on the mode of inheritance, in silico prediction and allele frequency in population databases.

Juno Genomics, Hangzhou Juno Genomics, Inc
Classification: Likely pathogenic for Oculocutaneous albinism type 1A; Oculocutaneous albinism type 1B. Review status: criteria provided, single submitter. Criteria: ACMG Guidelines, 2015. Collection method: clinical testing. Allele origin: germline.
Comment: Absent from controls (or at extremely low frequency if recessive) in Genome Aggregation Database.;Multiple lines of computational evidence support a deleterious effect on the gene or gene product.;For recessive disorders, detected in trans with a pathogenic variant.;Patient's phenotype or family history is highly specific for a disease with a single genetic etiology.

Literature cited by the submitters: PubMed 13680365 (cited by Labcorp Genetics (formerly Invitae), Labcorp); PubMed 19865097 (cited by Labcorp Genetics (formerly Invitae), Labcorp); PubMed 27537549 (cited by Labcorp Genetics (formerly Invitae), Labcorp).